The following is an entry in ClinVar:

NM_001572.5(IRF7):c.854G>C (p.Ser285Thr)

Gene: IRF7 (interferon regulatory factor 7; minus strand). Cytogenetic location: 11p15.5.
Variant type: single nucleotide variant.
Coding change: c.854G>C on transcript NM_001572.5 (MANE Select); coding-DNA position 854, G replaced by C.
Protein change: p.Ser285Thr; replaces serine 285 with threonine.
Molecular consequence: missense variant.
Genome position (GRCh38, 1-based): chr11:613,589, C>G on the plus strand (G>C on the coding strand, the complement: IRF7 is on the minus strand). VCF-style: chr11-613589-C-G. GRCh37 (hg19) VCF-style: chr11-613589-C-G.
Other names: c.854G>C, p.Ser285Thr (LRG_1313t1); c.767G>C, p.Ser256Thr (NM_004029.4); c.893G>C, p.Ser298Thr (NM_004031.4); short protein forms S298T, S256T, S285T.
Identifiers: ClinVar variation 645048 (VCV000645048.11), dbSNP rs192177735, ClinGen allele CA5783652.

ClinVar aggregate classification (germline): Uncertain significance. Review status: criteria provided, multiple submitters, no conflicts (2 of 4 stars). 3 submissions from 3 submitters: Uncertain significance (3). Last evaluated 2025-11-25.

Conditions:
Immunodeficiency 39 (IMD39). Identifiers: Orphanet 574918, MedGen C4225358, MONDO:0014597, OMIM 616345.

Allele frequency attached by ClinVar (database versions not stated): gnomAD exomes 0.00027; gnomAD 0.00032 and 0.00033; TOPMed 0.00032; ExAC 0.00047; ESP Exome Variant Server 0.00067.

Submissions (3):

Labcorp Genetics (formerly Invitae), Labcorp
Classification: Uncertain significance for Immunodeficiency 39. Last evaluated: 2025-11-25. Review status: criteria provided, single submitter. Criteria: Invitae Variant Classification Sherloc (09022015). Collection method: clinical testing. Allele origin: germline.
Comment: This sequence change replaces serine, which is neutral and polar, with threonine, which is neutral and polar, at codon 298 of the IRF7 protein (p.Ser298Thr). This variant is present in population databases (rs192177735, gnomAD 0.05%), and has an allele count higher than expected for a pathogenic variant. This variant has not been reported in the literature in individuals affected with IRF7-related conditions. ClinVar contains an entry for this variant (Variation ID: 645048). Invitae Evidence Modeling of protein sequence and biophysical properties (such as structural, functional, and spatial information, amino acid conservation, physicochemical variation, residue mobility, and thermodynamic stability) indicates that this missense variant is not expected to disrupt IRF7 protein function with a negative predictive value of 80%. In summary, the available evidence is currently insufficient to determine the role of this variant in disease. Therefore, it has been classified as a Variant of Uncertain Significance.

Ambry Genetics
Classification: Uncertain significance. Last evaluated: 2025-01-20. Review status: criteria provided, single submitter. Criteria: Ambry Variant Classification Scheme 2023. Collection method: clinical testing. Allele origin: germline.

Blueprint Genetics
Classification: Uncertain significance. Last evaluated: 2024-07-18. Review status: criteria provided, single submitter. Criteria: ACMG Guidelines, 2015. Collection method: clinical testing. Allele origin: germline.